The following is an entry in ClinVar:

ClinVar aggregate classification (germline): Conflicting classifications of pathogenicity. Review status: criteria provided, conflicting classifications (1 of 4 stars). 5 submissions from 5 submitters: Uncertain significance (1); Likely benign (2). 2 of the submissions do not count toward it. Last evaluated 2026-01-11.

Conditions:
VPS13B-related disorder. Also called: VPS13B-related condition.
Cohen syndrome (COH1). Also called: PEPPER SYNDROME; Cutis verticis gyrata, retinitis pigmentosa, and sensorineural deafness. Identifiers: Orphanet 193, MedGen C0265223, MONDO:0008999, OMIM 216550.

Allele frequency attached by ClinVar (database versions not stated): ExAC 0.00008; TOPMed 0.00008; gnomAD 0.00009; gnomAD exomes 0.00009.
gnomAD v4.1: 138 of 1,613,398 alleles (0.0086%); highest among the groups gnomAD compares: Non-Finnish European, 0.01%; no homozygotes.

Submissions (5):

Labcorp Genetics (formerly Invitae), Labcorp
Classification: Likely benign for Cohen syndrome. Last evaluated: 2026-01-11. Review status: criteria provided, single submitter. Criteria: Invitae Variant Classification Sherloc (09022015). Collection method: clinical testing. Allele origin: germline.

Blueprint Genetics
Classification: Likely benign. Last evaluated: 2024-10-28. Review status: criteria provided, single submitter. Criteria: ACMG Guidelines, 2015. Collection method: clinical testing. Allele origin: germline.

Eurofins Ntd Llc (ga)
Classification: Uncertain significance. Last evaluated: 2012-12-13. Review status: criteria provided, single submitter. Criteria: EGL Classification Definitions 2015. Collection method: clinical testing. Allele origin: germline. Observed: 1 variant allele, 1 heterozygote.

PreventionGenetics, part of Exact Sciences
Classification: Likely benign for VPS13B-related condition. Last evaluated: 2023-03-28. Review status: no assertion criteria provided. Collection method: clinical testing. Allele origin: germline. Not counted in ClinVar's aggregate classification.
Comment: This variant is classified as likely benign based on ACMG/AMP sequence variant interpretation guidelines (Richards et al. 2015 PMID: 25741868, with internal and published modifications).

Counsyl
Classification: Likely benign for Cohen syndrome. Last evaluated: 2017-05-31. Review status: no assertion criteria provided. Collection method: clinical testing. Allele origin: unknown. Not counted in ClinVar's aggregate classification.

NM_152564.5(VPS13B):c.7780-19C>T

Gene: VPS13B (vacuolar protein sorting 13 homolog B; plus strand). Cytogenetic location: 8q22.2.
Variant type: single nucleotide variant.
Coding change: c.7780-19C>T on transcript NM_152564.5 (MANE Select); 19 bases into the intron before coding-DNA position 7780, C replaced by T.
Molecular consequence: intron variant.
Genome position (GRCh38, 1-based): chr8:99,784,296, C>T. VCF-style: chr8-99784296-C-T. GRCh37 (hg19) VCF-style: chr8-100796524-C-T.
Other names: c.7780-19C>T (NM_152564.4); c.7855-19C>T (NM_017890.5).
Identifiers: ClinVar variation 95869 (VCV000095869.16), dbSNP rs199981958, ClinGen allele CA223494.
Genomic context (GRCh38, chr8:99,784,296, plus strand): 5'-ATCGCCACTGGGCAGACAGCTGCCAAACATCTTACAATTAATCCGATCCATGTTGGCTTT[C>T]GTATCCTTTTTCTTTCAGAACAAATGCCCTGAGGTAGAGGAGTTGGTCTTCAGCCATTTT-3'